The following is an entry in ClinVar:

ClinVar aggregate classification (germline): Benign/Likely benign. Review status: criteria provided, multiple submitters, no conflicts (2 of 4 stars). 5 submissions from 5 submitters: Benign (2); Likely benign (3). Last evaluated 2026-06-10.

Conditions:
MBD4-related disorder. Also called: MBD4-related condition.
Inborn genetic diseases. Identifiers: MedGen C0950123, MeSH D030342.
Tumor predisposition syndrome 2 (TPDS2). Also called: MBD4-Related Tumor Predisposition Syndrome; MBD4-associated neoplasia syndrome (MANS); MBD4-ASSOCIATED NEOPLASIA SYNDROME. Identifiers: Orphanet 661526, MedGen C5774186, MONDO:0859267, OMIM 619975.

Allele frequency attached by ClinVar (database versions not stated): ESP Exome Variant Server 0.00054; 1000 Genomes Project 0.00060; 1000 Genomes Project 30x 0.00078.
gnomAD v4.1: 185 of 1,614,060 alleles (0.011%); highest among the groups gnomAD compares: African/African-American, 0.2%; no homozygotes.

Submissions (5):

Myriad Genetics, Inc.
Classification: Benign for Tumor predisposition syndrome 2. Last evaluated: 2026-06-10. Review status: criteria provided, single submitter. Criteria: Myriad Autosomal Dominant, Autosomal Recessive and X-Linked Classification Criteria (2023). Collection method: clinical testing. Allele origin: unknown.
Comment: This variant is considered benign. This variant is a silent/synonymous amino acid change and it is not expected to impact splicing.

PreventionGenetics, part of Exact Sciences
Classification: Likely benign for MBD4-related condition. Last evaluated: 2026-02-10. Review status: criteria provided, single submitter. Criteria: ACMG Guidelines, 2015. Collection method: clinical testing. Allele origin: germline.
Comment: This variant is classified as likely benign based on ACMG/AMP sequence variant interpretation guidelines (Richards et al. 2015 PMID: 25741868, with internal and published modifications).

Labcorp Genetics (formerly Invitae), Labcorp
Classification: Benign. Last evaluated: 2026-01-26. Review status: criteria provided, single submitter. Criteria: Invitae Variant Classification Sherloc (09022015). Collection method: clinical testing. Allele origin: germline.

CeGaT Center for Human Genetics Tuebingen
Classification: Likely benign. Last evaluated: 2025-01-01. Review status: criteria provided, single submitter. Criteria: CeGaT Center For Human Genetics Tuebingen Variant Classification Criteria Version 2. Collection method: clinical testing. Allele origin: germline. Affected: yes. Observed: 1 variant allele.
Comment: MBD4: BP4, BP7

Ambry Genetics
Classification: Likely benign for Inborn genetic diseases. Last evaluated: 2024-07-29. Review status: criteria provided, single submitter. Criteria: Ambry Variant Classification Scheme 2023. Collection method: clinical testing. Allele origin: germline.

NM_001276270.2(MBD4):c.1074C>T (p.Ile358=)

Gene: MBD4 (methyl-CpG binding domain 4, DNA glycosylase; minus strand). Cytogenetic location: 3q21.3.
Variant type: single nucleotide variant.
Coding change: c.1074C>T on transcript NM_001276270.2 (MANE Select); coding-DNA position 1074, C replaced by T.
Protein change: p.Ile358=; no amino-acid change (isoleucine 358 retained).
Molecular consequence: synonymous variant. On other transcripts: intron variant (1).
Genome position (GRCh38, 1-based): chr3:129,436,570, G>A on the plus strand (C>T on the coding strand, the complement: MBD4 is on the minus strand). VCF-style: chr3-129436570-G-A. GRCh37 (hg19) VCF-style: chr3-129155413-G-A.
Other names: c.1074C>T, p.Ile358= (NM_001276271.2, NM_001276272.2, NM_003925.3); c.247+1238C>T (NM_001276273.2); c.1074C>T (NM_003925.2).
Identifiers: ClinVar variation 2045455 (VCV002045455.19), dbSNP rs139242730, ClinGen allele CA2605418.